The following is an entry in ClinVar:

NM_001142800.2(EYS):c.1272G>A (p.Trp424Ter)

Gene: EYS (EGF-like photoreceptor maintenance factor; minus strand). Cytogenetic location: 6q12.
Variant type: single nucleotide variant.
Coding change: c.1272G>A on transcript NM_001142800.2 (MANE Select); coding-DNA position 1272, G replaced by A.
Protein change: p.Trp424Ter; replaces tryptophan 424 with a stop codon.
Molecular consequence: nonsense.
Genome position (GRCh38, 1-based): chr6:65,384,413, C>T on the plus strand (G>A on the coding strand, the complement: EYS is on the minus strand). VCF-style: chr6-65384413-C-T. GRCh37 (hg19) VCF-style: chr6-66094306-C-T.
Other names: c.1272G>A, p.Trp424Ter (NM_001142801.2, NM_001292009.2, NM_198283.2); short protein forms W424*.
Identifiers: ClinVar variation 2879898 (VCV002879898.3), dbSNP rs1488525582, ClinGen allele CA364662036.

ClinVar aggregate classification (germline): Pathogenic (1 of 4 stars; one submission).

Allele frequency attached by ClinVar (database versions not stated): gnomAD exomes below 0.00001.
gnomAD v4.1: 1 of 1,606,472 alleles (0.000062%); highest among the groups gnomAD compares: Non-Finnish European, 0.000085%; no homozygotes.

Submission:

Labcorp Genetics (formerly Invitae), Labcorp
Classification: Pathogenic. Last evaluated: 2023-02-14. Review status: criteria provided, single submitter. Criteria: Invitae Variant Classification Sherloc (09022015). Collection method: clinical testing. Allele origin: germline.
Comment: For these reasons, this variant has been classified as Pathogenic. This variant has not been reported in the literature in individuals affected with EYS-related conditions. This variant is not present in population databases (gnomAD no frequency). This sequence change creates a premature translational stop signal (p.Trp424*) in the EYS gene. It is expected to result in an absent or disrupted protein product. Loss-of-function variants in EYS are known to be pathogenic (PMID: 18836446, 20333770).

Literature cited by the submitters: PubMed 18836446; PubMed 20333770.